The following is an entry in ClinVar:

ClinVar aggregate classification (germline): Likely benign (1 of 4 stars; one submission).

Allele frequency attached by ClinVar (database versions not stated): gnomAD exomes below 0.00001 and 0.00001.
gnomAD v4.1: 1 of 1,613,300 alleles (0.000062%); highest among the groups gnomAD compares: Non-Finnish European, 0.000085%; no homozygotes.

Submission:

CeGaT Center for Human Genetics Tuebingen
Classification: Likely benign. Last evaluated: 2023-09-01. Review status: criteria provided, single submitter. Criteria: CeGaT Center For Human Genetics Tuebingen Variant Classification Criteria Version 2. Collection method: clinical testing. Allele origin: germline. Affected: yes. Observed: 1 variant allele.
Comment: IGHMBP2: BP4, BP7

NM_002180.3(IGHMBP2):c.1374T>C (p.Leu458=)

Gene: IGHMBP2 (immunoglobulin mu DNA binding protein 2; plus strand). Cytogenetic location: 11q13.3.
Variant type: single nucleotide variant.
Coding change: c.1374T>C on transcript NM_002180.3 (MANE Select); coding-DNA position 1374, T replaced by C.
Protein change: p.Leu458=; no amino-acid change (leucine 458 retained).
Molecular consequence: synonymous variant.
Genome position (GRCh38, 1-based): chr11:68,933,437, T>C. VCF-style: chr11-68933437-T-C. GRCh37 (hg19) VCF-style: chr11-68700905-T-C.
Identifiers: ClinVar variation 1694641 (VCV001694641.31), dbSNP rs1380556705, ClinGen allele CA475200441.
Genomic context (GRCh38, chr11:68,933,437, plus strand): 5'-GACGGTGCAGTACCGCATGCACCAGGCTATCATGCGCTGGGCCTCAGACACCATGTACCT[T>C]GGGCAGCTCACAGCCCACTCTTCCGTGGCAAGGCACCTCCTGAGGTGAGTAGCTCGGCAC-3'
Protein context (NP_002171.2, residues 448-468): IMRWASDTMY[Leu458=]GQLTAHSSVA